The following is an entry in ClinVar:

ClinVar aggregate classification (germline): Uncertain significance (1 of 4 stars; one submission).

Submission:

Labcorp Genetics (formerly Invitae), Labcorp
Classification: Uncertain significance. Last evaluated: 2022-03-18. Review status: criteria provided, single submitter. Criteria: Invitae Variant Classification Sherloc (09022015). Collection method: clinical testing. Allele origin: germline.
Comment: This sequence change creates a premature translational stop signal (p.Tyr1406*) in the CACNA1E gene. It is expected to result in an absent or disrupted protein product. However, the current clinical and genetic evidence is not sufficient to establish whether loss-of-function variants in CACNA1E cause disease. This variant is not present in population databases (gnomAD no frequency). This variant has not been reported in the literature in individuals affected with CACNA1E-related conditions. Algorithms developed to predict the effect of sequence changes on RNA splicing suggest that this variant may create or strengthen a splice site. In summary, the available evidence is currently insufficient to determine the role of this variant in disease. Therefore, it has been classified as a Variant of Uncertain Significance.

NM_001205293.3(CACNA1E):c.4218C>A (p.Tyr1406Ter)

Gene: CACNA1E (calcium voltage-gated channel subunit alpha1 E; plus strand). Cytogenetic location: 1q25.3.
Variant type: single nucleotide variant.
Coding change: c.4218C>A on transcript NM_001205293.3 (MANE Select); coding-DNA position 4218, C replaced by A.
Protein change: p.Tyr1406Ter; replaces tyrosine 1406 with a stop codon.
Molecular consequence: nonsense.
Genome position (GRCh38, 1-based): chr1:181,757,015, C>A. VCF-style: chr1-181757015-C-A. GRCh37 (hg19) VCF-style: chr1-181726151-C-A.
Other names: c.4218C>A, p.Tyr1406Ter (NM_000721.4); c.4161C>A, p.Tyr1387Ter (NM_001205294.2); short protein forms Y1406*, Y1387*.
Identifiers: ClinVar variation 2045430 (VCV002045430.4), dbSNP rs2528973726, ClinGen allele CA343624344.